The following is an entry in ClinVar:

ClinVar aggregate classification (germline): Uncertain significance. Review status: criteria provided, multiple submitters, no conflicts (2 of 4 stars). 2 submissions from 2 submitters: Uncertain significance (2). Last evaluated 2024-12-01.

Conditions:
Hereditary factor VIII deficiency disease (HEMA). Also called: HEMOPHILIA, CLASSIC; AUTOSOMAL HEMOPHILIA A; Hemophilia A; Hemophilia A, congenital; HEM A; Factor 8 deficiency, congenital. Identifiers: Orphanet 98878, MedGen C0019069, MONDO:0010602, OMIM 306700.

Submissions (3):

CeGaT Center for Human Genetics Tuebingen
Classification: Uncertain significance. Last evaluated: 2024-12-01. Review status: criteria provided, single submitter. Criteria: CeGaT Center For Human Genetics Tuebingen Variant Classification Criteria Version 2. Collection method: clinical testing. Allele origin: germline. Affected: yes. Observed: 1 variant allele.
Comment: F8: PM2

MVZ Martinsried, Medicover Genetics
Classification: Uncertain significance for Hereditary factor VIII deficiency disease. Last evaluated: 2024-05-21. Review status: criteria provided, single submitter. Criteria: ACGS Guidelines, 2020. Collection method: clinical testing. Allele origin: unknown. Affected: yes.

Dr. Peter K. Rogan Lab, Western University
No classification provided (evidence only). Condition: Nonpapillary renal cell carcinoma. Review status: no classification provided. Collection method: in vitro. Allele origin: not applicable. Functional consequence: retained intron. Not counted in ClinVar's aggregate classification.

NM_000132.4(F8):c.1097A>G (p.Asp366Gly)

Gene: F8 (coagulation factor VIII; minus strand). Cytogenetic location: Xq28.
Variant type: single nucleotide variant.
Coding change: c.1097A>G on transcript NM_000132.4 (MANE Select); coding-DNA position 1097, A replaced by G.
Protein change: p.Asp366Gly; replaces aspartic acid 366 with glycine.
Molecular consequence: missense variant.
Genome position (GRCh38, 1-based): chrX:154,966,600, T>C on the plus strand (A>G on the coding strand, the complement: F8 is on the minus strand). VCF-style: chrX-154966600-T-C. GRCh37 (hg19) VCF-style: chrX-154194875-T-C.
Other names: NC_000023.10:g.154194875T>C; short protein forms D366G.
Identifiers: ClinVar variation 3573004 (VCV003573004.15).
Genomic context (GRCh38, chrX:154,966,600, plus strand): 5'-GAAGGAGAGTTGTCATCATCAAACCTGACCACATCCATTTCAGAATCAGTAAGATCATCA[T>C]CATAGTCTTCCGCTTCTTCATTATTTTTCATTCGTAGTTGGGGTTCCTCTGGACAGCTGT-3'
Protein context (NP_000123.1, residues 356-376): MKNNEEAEDY[Asp366Gly]DDLTDSEMDV